The following is an entry in ClinVar:

NM_000515.5(GH1):c.292-16del

Genes: GH-LCR (growth hormone locus control region; plus strand), GH1 (growth hormone 1; minus strand). Cytogenetic location: 17q23.3.
Variant type: Deletion.
Coding change: c.292-16del on transcript NM_000515.5 (MANE Select); 16 bases into the intron before coding-DNA position 292, one base deleted (C; older notation c.292-16delC).
Molecular consequence: intron variant.
Genome position (GRCh38, 1-based): chr17:63,917,940, G deleted on the plus strand (C on the coding strand, the reverse complement: GH1 is on the minus strand); the first of 3 consecutive G bases (chr17:63,917,940-63,917,942); deleting any one gives the same sequence. VCF-style (leftmost placement, unchanged base first): chr17-63917939-CG-C. GRCh37 (hg19) VCF-style: chr17-61995299-CG-C.
Other names: c.172-16del (NM_022560.4); c.247-16del (NM_022559.4); c.292-16delC (NM_000515.5).
Identifiers: ClinVar variation 2955303 (VCV002955303.5), dbSNP rs541390525, ClinGen allele CA8708239.
Genomic context (GRCh38, chr17:63,917,939, plus strand): 5'-GCCACGACTGGATGAGCAGCAGGGAGATGCGGAGCAGCTCTAGGTTCTGCAGGGGAAGGA[CG>C]GGCATTGGCTGTGCTGCCCGGGGGCTCTGACTACAGGTCTCCCCCATCCCCGCCTGGGGA-3'

ClinVar aggregate classification (germline): Benign/Likely benign. Review status: criteria provided, multiple submitters, no conflicts (2 of 4 stars). 3 submissions from 3 submitters: Benign (1); Likely benign (2). Last evaluated 2025-03-22.

Submissions (3):

Labcorp Genetics (formerly Invitae), Labcorp
Classification: Benign. Last evaluated: 2025-03-22. Review status: criteria provided, single submitter. Criteria: Invitae Variant Classification Sherloc (09022015). Collection method: clinical testing. Allele origin: germline.

Women's Health and Genetics/Laboratory Corporation of America, LabCorp
Classification: Likely benign. Last evaluated: 2025-02-25. Review status: criteria provided, single submitter. Criteria: LabCorp Variant Classification Summary - May 2015. Collection method: clinical testing. Allele origin: germline.
Comment: Variant summary: GH1 c.292-16delC alters a nucleotide located at a position not widely known to affect splicing. Consensus agreement among computation tools predict no significant impact on normal splicing. However, these predictions have yet to be confirmed by functional studies. The variant allele was found at a frequency of 0.00016 in 251416 control chromosomes. This frequency is not significantly higher than estimated for a pathogenic variant in GH1 causing Idiopathic Growth Hormone Deficiency (0.00016 vs 0.011), allowing no conclusion about variant significance. To our knowledge, no occurrence of c.292-16delC in individuals affected with Idiopathic Growth Hormone Deficiency and no experimental evidence demonstrating its impact on protein function have been reported. ClinVar contains an entry for this variant (Variation ID: 2955303). Based on the evidence outlined above, the variant was classified as likely benign.

Blueprint Genetics
Classification: Likely benign. Last evaluated: 2024-10-09. Review status: criteria provided, single submitter. Criteria: ACMG Guidelines, 2015. Collection method: clinical testing. Allele origin: germline.